The following is an entry in ClinVar:

NM_002270.4(TNPO1):c.1017T>C (p.Ser339=)

Gene: TNPO1 (transportin 1; plus strand). Cytogenetic location: 5q13.2.
Variant type: single nucleotide variant.
Coding change: c.1017T>C on transcript NM_002270.4 (MANE Select); coding-DNA position 1017, T replaced by C.
Protein change: p.Ser339=; no amino-acid change (serine 339 retained).
Molecular consequence: synonymous variant.
Genome position (GRCh38, 1-based): chr5:72,883,099, T>C. VCF-style: chr5-72883099-T-C. GRCh37 (hg19) VCF-style: chr5-72178926-T-C.
Other names: c.993T>C, p.Ser331= (NM_001364292.3, NM_001364293.3, NM_001364294.3 and 1 more transcripts); c.867T>C, p.Ser289= (NM_001364295.3).
Identifiers: ClinVar variation 3042355 (VCV003042355.2), dbSNP rs192419761, ClinGen allele CA3301442.
Genomic context (GRCh38, chr5:72,883,099, plus strand): 5'-AAAATTTCTCTTAAAAAAACAACAGGGTGATGTTGAAGAAGACGAAACGATTCCTGATAG[T>C]GAACAGGATATACGGCCACGTTTTCACCGATCGAGGACGGTGGCTCAGCAGCATGATGAA-3'
Protein context (NP_002261.3, residues 329-349): DVEEDETIPD[Ser339=]EQDIRPRFHR

ClinVar aggregate classification (germline): Likely benign (0 of 4 stars; one submission).

Conditions:
TNPO1-related disorder. Also called: TNPO1-related condition.

Allele frequency attached by ClinVar (database versions not stated): gnomAD 0.00015; ExAC 0.00017; TOPMed 0.00020; gnomAD exomes 0.00022; ESP Exome Variant Server 0.00023; 1000 Genomes Project 30x 0.00047; 1000 Genomes Project 0.00060.
gnomAD v4.1: 361 of 1,613,418 alleles (0.022%); highest among the groups gnomAD compares: Middle Eastern, 0.24%; 3 homozygotes.

Submission:

PreventionGenetics, part of Exact Sciences
Classification: Likely benign for TNPO1-related condition. Last evaluated: 2019-10-17. Review status: no assertion criteria provided. Collection method: clinical testing. Allele origin: germline.
Comment: This variant is classified as likely benign based on ACMG/AMP sequence variant interpretation guidelines (Richards et al. 2015 PMID: 25741868, with internal and published modifications).